The following is an entry in ClinVar:

ClinVar aggregate classification (germline): Uncertain significance. Review status: criteria provided, multiple submitters, no conflicts (2 of 4 stars). 2 submissions from 2 submitters: Uncertain significance (2). Last evaluated 2025-02-09.

Conditions:
Inborn genetic diseases. Identifiers: MedGen C0950123, MeSH D030342.

Allele frequency attached by ClinVar (database versions not stated): ExAC 0.00003; gnomAD 0.00004; gnomAD exomes 0.00004; TOPMed 0.00004.
gnomAD v4.1: 68 of 1,613,236 alleles (0.0042%); highest among the groups gnomAD compares: Non-Finnish European, 0.0052%; no homozygotes.

Submissions (2):

Ambry Genetics
Classification: Uncertain significance for Inborn genetic diseases. Last evaluated: 2025-02-09. Review status: criteria provided, single submitter. Criteria: Ambry Variant Classification Scheme 2023. Collection method: clinical testing. Allele origin: germline.

Labcorp Genetics (formerly Invitae), Labcorp
Classification: Uncertain significance. Last evaluated: 2022-03-04. Review status: criteria provided, single submitter. Criteria: Invitae Variant Classification Sherloc (09022015). Collection method: clinical testing. Allele origin: germline.
Comment: In summary, the available evidence is currently insufficient to determine the role of this variant in disease. Therefore, it has been classified as a Variant of Uncertain Significance. Algorithms developed to predict the effect of missense changes on protein structure and function (SIFT, PolyPhen-2, Align-GVGD) all suggest that this variant is likely to be tolerated. This variant has not been reported in the literature in individuals affected with KATNB1-related conditions. This variant is present in population databases (rs782354638, gnomAD 0.006%). This sequence change replaces glutamic acid, which is acidic and polar, with lysine, which is basic and polar, at codon 485 of the KATNB1 protein (p.Glu485Lys).

NM_005886.3(KATNB1):c.1453G>A (p.Glu485Lys)

Gene: KATNB1 (katanin regulatory subunit B1; plus strand). Cytogenetic location: 16q21.
Variant type: single nucleotide variant.
Coding change: c.1453G>A on transcript NM_005886.3 (MANE Select); coding-DNA position 1453, G replaced by A.
Protein change: p.Glu485Lys; replaces glutamic acid 485 with lysine.
Molecular consequence: missense variant.
Genome position (GRCh38, 1-based): chr16:57,755,381, G>A. VCF-style: chr16-57755381-G-A. GRCh37 (hg19) VCF-style: chr16-57789293-G-A.
Other names: c.1453G>A (NM_005886.2); short protein forms E485K.
Identifiers: ClinVar variation 1904389 (VCV001904389.6), dbSNP rs782354638, ClinGen allele CA8081231.